The following is an entry in ClinVar:

NM_001009944.3(PKD1):c.5590A>G (p.Ile1864Val)

Gene: PKD1 (polycystin 1, transient receptor potential channel interacting; minus strand). Cytogenetic location: 16p13.3.
Variant type: single nucleotide variant.
Coding change: c.5590A>G on transcript NM_001009944.3 (MANE Select); coding-DNA position 5590, A replaced by G.
Protein change: p.Ile1864Val; replaces isoleucine 1864 with valine.
Molecular consequence: missense variant.
Genome position (GRCh38, 1-based): chr16:2,109,577, T>C on the plus strand (A>G on the coding strand, the complement: PKD1 is on the minus strand). VCF-style: chr16-2109577-T-C. GRCh37 (hg19) VCF-style: chr16-2159578-T-C.
Other names: c.5590A>G, p.Ile1864Val (NM_000296.4); short protein forms I1864V.
Identifiers: ClinVar variation 3372320 (VCV003372320.1).

ClinVar aggregate classification (germline): Uncertain significance (1 of 4 stars; one submission).

gnomAD v4.1: 2 of 1,611,760 alleles (0.00012%); highest among the groups gnomAD compares: Middle Eastern, 0.017%; no homozygotes.

Submission:

GeneDx
Classification: Uncertain significance. Last evaluated: 2024-04-12. Review status: criteria provided, single submitter. Criteria: GeneDx Variant Classification Process June 2021. Collection method: clinical testing. Allele origin: germline. Affected: yes.
Comment: Not observed at significant frequency in large population cohorts (gnomAD); In silico analysis indicates that this missense variant does not alter protein structure/function; Has not been previously published as pathogenic or benign to our knowledge